The following is an entry in ClinVar:

NM_002161.6(IARS1):c.352A>G (p.Asn118Asp)

Gene: IARS1 (isoleucyl-tRNA synthetase 1; minus strand). Cytogenetic location: 9q22.31.
Variant type: single nucleotide variant.
Coding change: c.352A>G on transcript NM_002161.6 (MANE Select); coding-DNA position 352, A replaced by G.
Protein change: p.Asn118Asp; replaces asparagine 118 with aspartic acid.
Molecular consequence: missense variant. On other transcripts: non-coding transcript variant (1).
Genome position (GRCh38, 1-based): chr9:92,287,835, T>C on the plus strand (A>G on the coding strand, the complement: IARS1 is on the minus strand). VCF-style: chr9-92287835-T-C. GRCh37 (hg19) VCF-style: chr9-95050117-T-C.
Other names: c.352A>G (NM_013417.2); c.352A>G, p.Asn118Asp (NM_001374299.1, NM_001374300.1, NM_001374301.1 and 15 more transcripts); c.415A>G, p.Asn139Asp (NM_001378569.1); c.229A>G, p.Asn77Asp (NM_001378583.1); short protein forms N118D, N139D, N77D.
Identifiers: ClinVar variation 2075906 (VCV002075906.4), dbSNP rs150293947, ClinGen allele CA5122996.
Genomic context (GRCh38, chr9:92,287,835, plus strand): 5'-AAAAAACCCAACATACCTTCCACTCAGCAGAATATCTCATCACAATTGCTCGGCACTGAT[T>C]GTTATACTCTGTAATCCCCATTTTGGCCACATCCTCTGGTCCTCTGATTCCCAGTGTCTT-3'
Protein context (NP_002152.2, residues 108-128): VAKMGITEYN[Asn118Asp]QCRAIVMRYS

ClinVar aggregate classification (germline): Uncertain significance. Review status: criteria provided, multiple submitters, no conflicts (2 of 4 stars). 2 submissions from 2 submitters: Uncertain significance (2). Last evaluated 2025-09-28.

Allele frequency attached by ClinVar (database versions not stated): gnomAD exomes 0.00007; TOPMed 0.00011; ESP Exome Variant Server 0.00031; ExAC 0.00017; gnomAD 0.00010.
gnomAD v4.1: 132 of 1,613,842 alleles (0.0082%); highest among the groups gnomAD compares: Admixed American, 0.012%; no homozygotes.

Submissions (2):

Ambry Genetics
Classification: Uncertain significance. Last evaluated: 2025-09-28. Review status: criteria provided, single submitter. Criteria: Ambry Variant Classification Scheme 2023. Collection method: clinical testing. Allele origin: germline.

Labcorp Genetics (formerly Invitae), Labcorp
Classification: Uncertain significance. Last evaluated: 2022-03-27. Review status: criteria provided, single submitter. Criteria: Invitae Variant Classification Sherloc (09022015). Collection method: clinical testing. Allele origin: germline.
Comment: This sequence change replaces asparagine, which is neutral and polar, with aspartic acid, which is acidic and polar, at codon 118 of the IARS protein (p.Asn118Asp). This variant is present in population databases (rs150293947, gnomAD 0.02%). This variant has not been reported in the literature in individuals affected with IARS-related conditions. Algorithms developed to predict the effect of missense changes on protein structure and function (SIFT, PolyPhen-2, Align-GVGD) all suggest that this variant is likely to be tolerated. In summary, the available evidence is currently insufficient to determine the role of this variant in disease. Therefore, it has been classified as a Variant of Uncertain Significance.